The following is an entry in ClinVar:

ClinVar aggregate classification (germline): Pathogenic. Review status: reviewed by expert panel (3 of 4 stars). 3 submissions from 3 submitters: Pathogenic (1). 2 of the submissions do not count toward it. Last evaluated 2024-04-05.

Conditions:
Monogenic diabetes. Identifiers: Orphanet 183625, MedGen C3888631, MONDO:0015967.
Maturity-onset diabetes of the young type 1. Also called: MILD JUVENILE DIABETES MELLITUS; HNF4A-Related Maturity-Onset Diabetes of the Young Type 1; MODY type 1; Diabetes mellitus MODY type 1; MODY HNF4A related; MODY, type I. Identifiers: Orphanet 552, MedGen C1852093, MONDO:0007452, OMIM 125850. Disease mechanism: loss of function.

Submissions (3):

ClinGen Monogenic Diabetes Variant Curation Expert Panel
Classification: Pathogenic for Monogenic diabetes. Last evaluated: 2024-04-05. Review status: reviewed by expert panel. Criteria: ClinGen Diabetes ACMG Specifications HNF4A V2.0.0. Collection method: curation. Allele origin: germline. Inheritance: Autosomal dominant inheritance.
Comment: The c.352C>T variant in the hepatocyte nuclear factor 4-alpha gene, HNF4A, results in a premature termination at codon 118 (p.(Arg118Ter)) of NM_175914.5. This variant, located in biologically-relevant exon 4 of 10, is predicted to lead to nonsense mediated decay in a gene in which loss-of-function is an established disease mechanism (PVS1; PMID: 23348805). This variant is absent in gnomAD v2.1.1 (PM2_Supporting), and was identified in four unrelated individuals with non-autoimmune and non-absolute/near-absolute insulin-deficient diabetes (PS4_Moderate; ClinVar ID:1457657, internal lab contributors). One of these individuals has a clinical history highly specific for HNF4A-MODY (MODY probability calculator result >50%, negative genetic testing for HNF1A, and antibody negative) (PP4_Moderate; internal lab contributor). This variant also segregated with diabetes, with four informative meioses in two families (PP1_Strong; internal lab contributors). In summary, c.352C>T meets the criteria to be classified as pathogenic for monogenic diabetes. ACMG/AMP criteria applied, as specified by the ClinGen MDEP (specification version 2.0.0, approved 10/11/23): PVS1, PP1_Strong, PP4_Moderate, PS4_Moderate, PM2_Supporting.

Labcorp Genetics (formerly Invitae), Labcorp
Classification: Pathogenic. Last evaluated: 2024-12-14. Review status: criteria provided, single submitter. Criteria: Invitae Variant Classification Sherloc (09022015). Collection method: clinical testing. Allele origin: germline. Not counted in ClinVar's aggregate classification.
Comment: This sequence change creates a premature translational stop signal (p.Arg118*) in the HNF4A gene. It is expected to result in an absent or disrupted protein product. Loss-of-function variants in HNF4A are known to be pathogenic (PMID: 20164212, 23275527, 23348805, 24097065). This variant is not present in population databases (gnomAD no frequency). This premature translational stop signal has been observed in individual(s) with clinical features of MODY (PMID: 23348805). ClinVar contains an entry for this variant (Variation ID: 1457657). For these reasons, this variant has been classified as Pathogenic.

Geisinger Clinic, Geisinger Health System
Classification: Pathogenic for Maturity-onset diabetes of the young type 1. Last evaluated: 2022-08-02. Review status: criteria provided, single submitter. Criteria: ACMG Guidelines, 2015. Collection method: research. Allele origin: germline. Inheritance: Autosomal dominant inheritance. Affected: yes. Observed: 1 variant allele. Not counted in ClinVar's aggregate classification.
Comment: PVS1, PM2, PP4_Moderate, PS4_Moderate, PP1_Strong

Literature cited by the submitters: PubMed 20164212 (cited by Labcorp Genetics (formerly Invitae), Labcorp); PubMed 23275527 (cited by Labcorp Genetics (formerly Invitae), Labcorp); PubMed 23348805 (cited by Labcorp Genetics (formerly Invitae), Labcorp); PubMed 24097065 (cited by Labcorp Genetics (formerly Invitae), Labcorp); PubMed 36257325 (cited by Geisinger Clinic, Geisinger Health System).

NM_175914.5(HNF4A):c.352C>T (p.Arg118Ter)

Gene: HNF4A (hepatocyte nuclear factor 4 alpha; plus strand). Cytogenetic location: 20q13.12.
Variant type: single nucleotide variant.
Coding change: c.352C>T on transcript NM_175914.5 (MANE Select); coding-DNA position 352, C replaced by T.
Protein change: p.Arg118Ter; replaces arginine 118 with a stop codon.
Molecular consequence: nonsense.
Genome position (GRCh38, 1-based): chr20:44,413,726, C>T. VCF-style: chr20-44413726-C-T. GRCh37 (hg19) VCF-style: chr20-43042366-C-T.
Other names: NM_175914.5(HNF4A):c.352C>T; p.Arg118Ter; c.418C>T, p.Arg140Ter (NM_000457.6, NM_178849.3, NM_178850.3); c.352C>T, p.Arg118Ter (NM_001030003.3, NM_001030004.3); c.397C>T, p.Arg133Ter (NM_001258355.2); c.343C>T, p.Arg115Ter (NM_001287182.2, NM_001287183.2, NM_001287184.2); short protein forms R118*, R133*, R140*, R115*.
Identifiers: ClinVar variation 1457657 (VCV001457657.16), dbSNP rs2146412136, ClinGen allele CA409105512.